The following is an entry in ClinVar:

ClinVar aggregate classification (germline): Uncertain significance (1 of 4 stars; one submission).

Allele frequency attached by ClinVar (database versions not stated): TOPMed 0.00004; gnomAD exomes below 0.00001; ExAC 0.00001; gnomAD 0.00003.
gnomAD v4.1: 6 of 1,614,042 alleles (0.00037%); highest among the groups gnomAD compares: African/African-American, 0.008%; no homozygotes.

Submission:

Labcorp Genetics (formerly Invitae), Labcorp
Classification: Uncertain significance. Last evaluated: 2025-12-15. Review status: criteria provided, single submitter. Criteria: Invitae Variant Classification Sherloc (09022015). Collection method: clinical testing. Allele origin: germline.
Comment: This sequence change replaces isoleucine, which is neutral and non-polar, with methionine, which is neutral and non-polar, at codon 229 of the DSCAML1 protein (p.Ile229Met). This variant is present in population databases (rs778384954, gnomAD 0.007%). This variant has not been reported in the literature in individuals affected with DSCAML1-related conditions. ClinVar contains an entry for this variant (Variation ID: 2975456). An algorithm developed to predict the effect of missense changes on protein structure and function (PolyPhen-2) suggests that this variant is likely to be tolerated. In summary, the available evidence is currently insufficient to determine the role of this variant in disease. Therefore, it has been classified as a Variant of Uncertain Significance.

NM_020693.4(DSCAML1):c.507C>G (p.Ile169Met)

Gene: DSCAML1 (DS cell adhesion molecule like 1; minus strand). Cytogenetic location: 11q23.3.
Variant type: single nucleotide variant.
Coding change: c.507C>G on transcript NM_020693.4 (MANE Select); coding-DNA position 507, C replaced by G.
Protein change: p.Ile169Met; replaces isoleucine 169 with methionine.
Molecular consequence: missense variant.
Genome position (GRCh38, 1-based): chr11:117,776,795, G>C on the plus strand (C>G on the coding strand, the complement: DSCAML1 is on the minus strand). VCF-style: chr11-117776795-G-C. GRCh37 (hg19) VCF-style: chr11-117647510-G-C.
Other names: c.507C>G, p.Ile169Met (NM_001367904.1); c.99C>G, p.Ile33Met (NM_001367905.1); short protein forms I169M, I33M.
Identifiers: ClinVar variation 2975456 (VCV002975456.3), dbSNP rs778384954, ClinGen allele CA6297557.
Genomic context (GRCh38, chr11:117,776,795, plus strand): 5'-TCCAGTCCCCACAGAGGGAGCACCTCTGTCTGCCGCAGCCCCGGGACGCTTCTTACCTGG[G>C]ATGATGGAGACTGTGTCTTTCTCCCAAGATACAACGCTAACATATTCCTGCACTGAAGAG-3'
Protein context (NP_065744.3, residues 159-179): VSWEKDTVSI[Ile169Met]PEHRFFITYH